The following is an entry in ClinVar:

ClinVar aggregate classification (germline): Uncertain significance (1 of 4 stars; one submission).

Submission:

GeneDx
Classification: Uncertain significance. Last evaluated: 2024-10-31. Review status: criteria provided, single submitter. Criteria: GeneDx Variant Classification Process June 2021. Collection method: clinical testing. Allele origin: germline. Affected: yes.
Comment: Not observed at significant frequency in large population cohorts (gnomAD); In silico analysis supports that this missense variant has a deleterious effect on protein structure/function; Has not been previously published as pathogenic or benign to our knowledge

NM_001145358.2(SIN3A):c.1453C>T (p.Arg485Cys)

Gene: SIN3A (SIN3 transcription regulator family member A; minus strand). Cytogenetic location: 15q24.2.
Variant type: single nucleotide variant.
Coding change: c.1453C>T on transcript NM_001145358.2 (MANE Select); coding-DNA position 1453, C replaced by T.
Protein change: p.Arg485Cys; replaces arginine 485 with cysteine.
Molecular consequence: missense variant.
Genome position (GRCh38, 1-based): chr15:75,401,925, G>A on the plus strand (C>T on the coding strand, the complement: SIN3A is on the minus strand). VCF-style: chr15-75401925-G-A. GRCh37 (hg19) VCF-style: chr15-75694266-G-A.
Other names: c.1453C>T, p.Arg485Cys (NM_001145357.2, NM_015477.3); short protein forms R485C.
Identifiers: ClinVar variation 3897479 (VCV003897479.1).